The following is an entry in ClinVar:

ClinVar aggregate classification (germline): Pathogenic/Likely pathogenic. Review status: criteria provided, multiple submitters, no conflicts (2 of 4 stars). 3 submissions from 3 submitters: Pathogenic (1); Likely pathogenic (1). 1 of the submissions does not count toward it. Last evaluated 2019-07-31.

Conditions:
Tuberous sclerosis syndrome (TSC). Also called: Tuberous Sclerosis Complex; Tuberous sclerosis. Identifiers: Orphanet 805, MedGen C0041341, MONDO:0001734.
Tuberous sclerosis 2 (TSC2). Identifiers: Orphanet 805, MedGen C1860707, MONDO:0013199, OMIM 613254.

Submissions (3):

Labcorp Genetics (formerly Invitae), Labcorp
Classification: Pathogenic for Tuberous sclerosis 2. Last evaluated: 2019-07-31. Review status: criteria provided, single submitter. Criteria: Invitae Variant Classification Sherloc (09022015). Collection method: clinical testing. Allele origin: germline.
Comment: For these reasons, this variant has been classified as Pathogenic. Nucleotide substitutions within the consensus splice site are a relatively common cause of aberrant splicing (PMID: 17576681, 9536098). Algorithms developed to predict the effect of sequence changes on RNA splicing suggest that this variant may disrupt the consensus splice site, but this prediction has not been confirmed by published transcriptional studies. This variant has been reported to affect TSC2 protein function (PMID: 16114042, 22903760). This variant has been observed to be de novo in an individual affected with tuberous sclerosis (PMID: 16114042). ClinVar contains an entry for this variant (Variation ID: 49486). This variant is not present in population databases (ExAC no frequency). This sequence change replaces glutamine with histidine at codon 1554 of the TSC2 protein (p.Gln1554His). The glutamine residue is highly conserved and there is a small physicochemical difference between glutamine and histidine. This variant also falls at the last nucleotide of exon 36 of the TSC2 coding sequence, which is part of the consensus splice site for this exon.

Juno Genomics, Hangzhou Juno Genomics, Inc
Classification: Likely pathogenic for Tuberous sclerosis 2. Review status: criteria provided, single submitter. Criteria: ACMG Guidelines, 2015. Collection method: clinical testing. Allele origin: germline. Affected: yes.
Comment: Absent from controls (or at extremely low frequency if recessive) in Genome Aggregation Database, Exome Sequencing Project, 1000 Genomes Project, or Exome Aggregation Consortium.;Multiple lines of computational evidence support a deleterious effect on the gene or gene product (conservation, evolutionary, splicing impact, etc).;Assumed de novo, but without confirmation of paternity and maternity.;The prevalence of the variant in affected individuals is significantly increased compared to the prevalence in controls.;Patient's phenotype or family history is highly specific for a disease with a single genetic etiology.

Tuberous sclerosis database (TSC2)
No classification provided. Condition: TSC. Review status: no classification provided. Criteria: Tuberous Sclerosis Database Assertion Criteria 2015. Collection method: curation. Allele origin: germline. Affected: yes. Not counted in ClinVar's aggregate classification.

Literature cited by the submitters: PubMed 17576681 (cited by Labcorp Genetics (formerly Invitae), Labcorp); PubMed 9536098 (cited by Labcorp Genetics (formerly Invitae), Labcorp); PubMed 16114042 (cited by Labcorp Genetics (formerly Invitae), Labcorp); PubMed 22903760 (cited by Labcorp Genetics (formerly Invitae), Labcorp).

NM_000548.5(TSC2):c.4662G>T (p.Gln1554His)

Gene: TSC2 (TSC complex subunit 2; plus strand). Cytogenetic location: 16p13.3.
Variant type: single nucleotide variant.
Coding change: c.4662G>T on transcript NM_000548.5 (MANE Select); coding-DNA position 4662, G replaced by T.
Protein change: p.Gln1554His; replaces glutamine 1554 with histidine.
Molecular consequence: missense variant.
Genome position (GRCh38, 1-based): chr16:2,085,322, G>T. VCF-style: chr16-2085322-G-T. GRCh37 (hg19) VCF-style: chr16-2135323-G-T.
Other names: c.4461G>T, p.Gln1487His (NM_001077183.3); c.4593G>T, p.Gln1531His (NM_001114382.3); c.4353G>T, p.Gln1451His (NM_001318827.2); c.4317G>T, p.Gln1439His (NM_001318829.2); c.3930G>T, p.Gln1310His (NM_001318831.2); c.4494G>T, p.Gln1498His (NM_001318832.2); c.4464G>T, p.Gln1488His (NM_001363528.2); c.4530G>T, p.Gln1510His (NM_001370404.1); and 1 more; short protein forms Q1554H, Q1451H, Q1511H, Q1531H, Q1498H, Q1487H, Q1510H, Q1310H.
Identifiers: ClinVar variation 49486 (VCV000049486.11), dbSNP rs137854880, ClinGen allele CA020857.